The following is an entry in ClinVar:

NM_000080.4(CHRNE):c.345T>A (p.Asn115Lys)

Genes: C17orf107 (chromosome 17 open reading frame 107; plus strand), CHRNE (cholinergic receptor nicotinic epsilon subunit; minus strand). Cytogenetic location: 17p13.2.
Variant type: single nucleotide variant.
Coding change: c.345T>A on transcript NM_000080.4 (MANE Select); coding-DNA position 345, T replaced by A.
Protein change: p.Asn115Lys; replaces asparagine 115 with lysine.
Molecular consequence: missense variant. On other transcripts: 3 prime UTR variant (1).
Genome position (GRCh38, 1-based): chr17:4,902,087, A>T on the plus strand (T>A on the coding strand, the complement: CHRNE is on the minus strand). VCF-style: chr17-4902087-A-T. GRCh37 (hg19) VCF-style: chr17-4805382-A-T.
Other names: c.*1554A>T (NM_001145536.2); short protein forms N115K.
Identifiers: ClinVar variation 1385759 (VCV001385759.7), dbSNP rs1388515362, ClinGen allele CA397306400.

ClinVar aggregate classification (germline): Uncertain significance (1 of 4 stars; one submission).

Conditions:
Congenital myasthenic syndrome 4A. Also called: MYASTHENIC SYNDROME, CONGENITAL, 4A, SLOW-CHANNEL, AUTOSOMAL RECESSIVE; Myasthenic syndrome, congenital, 4a, slow-channel; CONGENITAL MYASTHENIC SYNDROME TYPE Ia1. Identifiers: Orphanet 590, MedGen C4225413, MONDO:0011600, OMIM 605809.

Allele frequency attached by ClinVar (database versions not stated): gnomAD exomes below 0.00001; gnomAD 0.00001; TOPMed 0.00001.
gnomAD v4.1: 3 of 1,613,506 alleles (0.00019%); highest among the groups gnomAD compares: Non-Finnish European, 0.00025%; no homozygotes.

Submission:

Labcorp Genetics (formerly Invitae), Labcorp
Classification: Uncertain significance for Congenital myasthenic syndrome 4A. Last evaluated: 2024-02-17. Review status: criteria provided, single submitter. Criteria: Invitae Variant Classification Sherloc (09022015). Collection method: clinical testing. Allele origin: germline.
Comment: This sequence change replaces asparagine, which is neutral and polar, with lysine, which is basic and polar, at codon 115 of the CHRNE protein (p.Asn115Lys). This variant is present in population databases (no rsID available, gnomAD 0.007%). This variant has not been reported in the literature in individuals affected with CHRNE-related conditions. ClinVar contains an entry for this variant (Variation ID: 1385759). An algorithm developed to predict the effect of missense changes on protein structure and function (PolyPhen-2) suggests that this variant is likely to be disruptive. In summary, the available evidence is currently insufficient to determine the role of this variant in disease. Therefore, it has been classified as a Variant of Uncertain Significance.